The following is an entry in ClinVar:

NM_001846.4(COL4A2):c.2866G>A (p.Gly956Ser)

Gene: COL4A2 (collagen type IV alpha 2 chain; plus strand). Cytogenetic location: 13q34.
Variant type: single nucleotide variant.
Coding change: c.2866G>A on transcript NM_001846.4 (MANE Select); coding-DNA position 2866, G replaced by A.
Protein change: p.Gly956Ser; replaces glycine 956 with serine.
Molecular consequence: missense variant.
Genome position (GRCh38, 1-based): chr13:110,482,623, G>A. VCF-style: chr13-110482623-G-A. GRCh37 (hg19) VCF-style: chr13-111134970-G-A.
Other names: short protein forms G956S.
Identifiers: ClinVar variation 3907875 (VCV003907875.1).

ClinVar aggregate classification (germline): Uncertain significance (1 of 4 stars; one submission).

gnomAD v4.1: 5 of 1,613,960 alleles (0.00031%); highest among the groups gnomAD compares: Admixed American, 0.0033%; no homozygotes.

Submission:

GeneDx
Classification: Uncertain significance. Last evaluated: 2024-12-26. Review status: criteria provided, single submitter. Criteria: GeneDx Variant Classification Process June 2021. Collection method: clinical testing. Allele origin: germline. Affected: yes.
Comment: Affects a glycine residue in a Gly-X-Y motif in the triple helical region of the COL4A2 gene; In silico analysis supports that this missense variant has a deleterious effect on protein structure/function